The following is an entry in ClinVar:

NM_005751.5(AKAP9):c.4962G>C (p.Arg1654Ser)

Genes: AKAP9 (A-kinase anchoring protein 9; plus strand), LOC121175350 (Sharpr-MPRA regulatory region 2641; plus strand). Cytogenetic location: 7q21.2.
Variant type: single nucleotide variant.
Coding change: c.4962G>C on transcript NM_005751.5 (MANE Select); coding-DNA position 4962, G replaced by C.
Protein change: p.Arg1654Ser; replaces arginine 1654 with serine.
Molecular consequence: missense variant.
Genome position (GRCh38, 1-based): chr7:92,042,090, G>C. VCF-style: chr7-92042090-G-C. GRCh37 (hg19) VCF-style: chr7-91671404-G-C.
Other names: c.4962G>C, p.Arg1654Ser (NM_147185.3); short protein forms R1654S.
Identifiers: ClinVar variation 649912 (VCV000649912.10), dbSNP rs746465984, ClinGen allele CA368129982.
Genomic context (GRCh38, chr7:92,042,090, plus strand): 5'-CTTTTTTCTTATTTAGAGATCCTCCATAGATAATGAAAACCTGGTTTCAGAGAGAGAGAG[G>C]GTGCTTTTAGAGGAGCTGGAAGCACTAAAGCAGCTGTCTTTAGCTGGAAGAGAGAAGCTG-3'
Protein context (NP_005742.4, residues 1644-1664): DNENLVSERE[Arg1654Ser]VLLEELEALK

ClinVar aggregate classification (germline): Uncertain significance. Review status: criteria provided, multiple submitters, no conflicts (2 of 4 stars). 2 submissions from 2 submitters: Uncertain significance (2). Last evaluated 2021-11-09.

Conditions:
Long QT syndrome (LQTS). Identifiers: MedGen C0023976, MeSH D008133, MONDO:0002442. Disease mechanism: loss of function. Inheritance: Various modes of inheritance.
Cardiovascular phenotype. Identifiers: MedGen CN230736.

gnomAD v4.1: 4 of 1,613,702 alleles (0.00025%); highest among the groups gnomAD compares: Non-Finnish European, 0.00034%; no homozygotes.

Submissions (2):

Ambry Genetics
Classification: Uncertain significance for Cardiovascular phenotype. Last evaluated: 2021-11-09. Review status: criteria provided, single submitter. Criteria: Ambry Variant Classification Scheme 2023. Collection method: clinical testing. Allele origin: germline.
Comment: The p.R1654S variant (also known as c.4962G>C), located in coding exon 19 of the AKAP9 gene, results from a G to C substitution at nucleotide position 4962. The arginine at codon 1654 is replaced by serine, an amino acid with dissimilar properties. This amino acid position is conserved. In addition, this alteration is predicted to be tolerated by in silico analysis. Since supporting evidence is limited at this time, the clinical significance of this alteration remains unclear.

Labcorp Genetics (formerly Invitae), Labcorp
Classification: Uncertain significance for Long QT syndrome. Last evaluated: 2018-10-29. Review status: criteria provided, single submitter. Criteria: Invitae Variant Classification Sherloc (09022015). Collection method: clinical testing. Allele origin: germline.
Comment: In summary, the available evidence is currently insufficient to determine the role of this variant in disease. Therefore, it has been classified as a Variant of Uncertain Significance. Algorithms developed to predict the effect of missense changes on protein structure and function are either unavailable or do not agree on the potential impact of this missense change (SIFT: "Tolerated"; PolyPhen-2: "Probably Damaging"; Align-GVGD: "Class C0"). This variant has not been reported in the literature in individuals with AKAP9-related disease. This variant is not present in population databases (ExAC no frequency). This sequence change replaces arginine with serine at codon 1654 of the AKAP9 protein (p.Arg1654Ser). The arginine residue is moderately conserved and there is a moderate physicochemical difference between arginine and serine.